The following is an entry in ClinVar:

NM_020433.5(JPH2):c.1395G>A (p.Pro465=)

Gene: JPH2 (junctophilin 2; minus strand). Cytogenetic location: 20q13.12.
Variant type: single nucleotide variant.
Coding change: c.1395G>A on transcript NM_020433.5 (MANE Select); coding-DNA position 1395, G replaced by A.
Protein change: p.Pro465=; no amino-acid change (proline 465 retained).
Molecular consequence: synonymous variant.
Genome position (GRCh38, 1-based): chr20:44,116,280, C>T on the plus strand (G>A on the coding strand, the complement: JPH2 is on the minus strand). VCF-style: chr20-44116280-C-T. GRCh37 (hg19) VCF-style: chr20-42744920-C-T.
Identifiers: ClinVar variation 696099 (VCV000696099.17), dbSNP rs890379843, ClinGen allele CA314642692.

ClinVar aggregate classification (germline): Likely benign. Review status: criteria provided, multiple submitters, no conflicts (2 of 4 stars). 4 submissions from 4 submitters: Likely benign (3). 1 of the submissions does not count toward it. Last evaluated 2026-03-27.

Conditions:
JPH2-related disorder. Also called: JPH2-related condition.
Hypertrophic cardiomyopathy. Also called: HYPERTROPHIC MYOCARDIOPATHY. Identifiers: Orphanet 217569, MedGen C0007194, MeSH D002312, MONDO:0005045, HP:0001639.
Cardiovascular phenotype. Identifiers: MedGen CN230736.

Allele frequency attached by ClinVar (database versions not stated): gnomAD 0.00004; gnomAD exomes 0.00001 and 0.00002; TOPMed 0.00005.
gnomAD v4.1: 33 of 1,532,114 alleles (0.0022%); highest among the groups gnomAD compares: Non-Finnish European, 0.0029%; no homozygotes.

Submissions (4):

Molecular Diagnostic Laboratory for Inherited Cardiovascular Disease, Montreal Heart Institute
Classification: Likely benign. Last evaluated: 2026-03-27. Review status: criteria provided, single submitter. Criteria: ACMG Guidelines, 2015. Collection method: clinical testing. Allele origin: germline. Affected: no.

Labcorp Genetics (formerly Invitae), Labcorp
Classification: Likely benign for Hypertrophic cardiomyopathy. Last evaluated: 2023-07-09. Review status: criteria provided, single submitter. Criteria: Invitae Variant Classification Sherloc (09022015). Collection method: clinical testing. Allele origin: germline.

Ambry Genetics
Classification: Likely benign for Cardiovascular phenotype. Last evaluated: 2021-08-03. Review status: criteria provided, single submitter. Criteria: Ambry Variant Classification Scheme 2023. Collection method: clinical testing. Allele origin: germline.

PreventionGenetics, part of Exact Sciences
Classification: Likely benign for JPH2-related condition. Last evaluated: 2020-09-04. Review status: no assertion criteria provided. Collection method: clinical testing. Allele origin: germline. Not counted in ClinVar's aggregate classification.
Comment: This variant is classified as likely benign based on ACMG/AMP sequence variant interpretation guidelines (Richards et al. 2015 PMID: 25741868, with internal and published modifications).